The following is an entry in ClinVar:

NM_080605.4(B3GALT6):c.75G>A (p.Ala25=)

Gene: B3GALT6 (beta-1,3-galactosyltransferase 6; plus strand). Cytogenetic location: 1p36.33.
Variant type: single nucleotide variant.
Coding change: c.75G>A on transcript NM_080605.4 (MANE Select); coding-DNA position 75, G replaced by A.
Protein change: p.Ala25=; no amino-acid change (alanine 25 retained).
Molecular consequence: synonymous variant.
Genome position (GRCh38, 1-based): chr1:1,232,353, G>A. VCF-style: chr1-1232353-G-A. GRCh37 (hg19) VCF-style: chr1-1167733-G-A.
Identifiers: ClinVar variation 3030476 (VCV003030476.2), dbSNP rs2521961334, ClinGen allele CA415378739.

ClinVar aggregate classification (germline): Likely benign (0 of 4 stars; one submission).

Conditions:
B3GALT6-related disorder. Also called: B3GALT6-related condition.

Submission:

PreventionGenetics, part of Exact Sciences
Classification: Likely benign for B3GALT6-related condition. Last evaluated: 2022-08-10. Review status: no assertion criteria provided. Collection method: clinical testing. Allele origin: germline.
Comment: This variant is classified as likely benign based on ACMG/AMP sequence variant interpretation guidelines (Richards et al. 2015 PMID: 25741868, with internal and published modifications).